The following is an entry in ClinVar:

ClinVar aggregate classification (germline): Uncertain significance. Review status: criteria provided, single submitter (1 of 4 stars). 4 submissions from 4 submitters: Uncertain significance (1). 3 of the submissions do not count toward it. Last evaluated 2021-04-22.

Conditions:
TLR8-related condition.
Immunodeficiency 98 with autoinflammation, X-linked (IMD98). Also called: INFLAMMATION, NEUTROPENIA, BONE MARROW FAILURE, AND LYMPHOPROLIFERATION CAUSED BY TLR8. Identifiers: Orphanet 675628, MedGen C5676883, MONDO:0024777, OMIM 301078.
INFLTR8.

Submissions (4):

Labcorp Genetics (formerly Invitae), Labcorp
Classification: Uncertain significance. Last evaluated: 2021-04-22. Review status: criteria provided, single submitter. Criteria: Invitae Variant Classification Sherloc (09022015). Collection method: clinical testing. Allele origin: germline.
Comment: In summary, the available evidence is currently insufficient to determine the role of this variant in disease. Therefore, it has been classified as a Variant of Uncertain Significance. Experimental studies have shown that this variant affects TLR8 protein function (PMID: 33512449). This variant has been observed in an apparently mosaic state in individual(s) with immunodeficiency and bone marrow failure (PMID: 33512449). This variant is not present in population databases (ExAC no frequency). This sequence change replaces proline with leucine at codon 432 of the TLR8 protein (p.Pro432Leu). The proline residue is moderately conserved and there is a moderate physicochemical difference between proline and leucine.

PreventionGenetics, part of Exact Sciences
Classification: Uncertain significance for TLR8-related condition. Last evaluated: 2024-04-22. Review status: no assertion criteria provided. Collection method: clinical testing. Allele origin: germline. Not counted in ClinVar's aggregate classification.
Comment: The TLR8 c.1349C>T variant is predicted to result in the amino acid substitution p.Pro450Leu. To our knowledge, this variant has not been reported in the literature or in a large population database, indicating this variant is rare. At this time, the clinical significance of this variant is uncertain due to the absence of conclusive functional and genetic evidence.

OMIM
Classification: Pathogenic for IMMUNODEFICIENCY 98 WITH AUTOINFLAMMATION, X-LINKED, SOMATIC MOSAIC. Last evaluated: 2022-05-04. Review status: no assertion criteria provided. Collection method: literature only. Allele origin: somatic. Not counted in ClinVar's aggregate classification.

Megan Cooper Lab, Washington University School of Medicine in St Louis
Classification: Pathogenic for INFLTR8. Review status: no assertion criteria provided. Collection method: case-control. Allele origin: germline. Affected: yes. Observed: 4 variant alleles. Clinical features observed: Inflammation, Neutropenia, Bone marrow failure, Lymphoproliferation. Not counted in ClinVar's aggregate classification.
Comment: We identified 6 unrelated males with neutropenia, infections, lymphoproliferation, humoral immune defects, and in some cases bone marrow failure associated with 3 different variants in the X-linked gene TLR8, encoding the endosomal Toll-like receptor 8 (TLR8). Interestingly, 5 patients had somatic variants in TLR8 with <30% mosaicism, suggesting a dominant mechanism responsible for the clinical phenotype. Mosaicism was also detected in skin-derived fibroblasts in 3 patients, demonstrating that mutations were not limited to the hematopoietic compartment. All patients had refractory chronic neutropenia, and 3 patients underwent allogeneic hematopoietic cell transplantation. All variants conferred gain of function to TLR8 protein, and immune phenotyping demonstrated a proinflammatory phenotype with activated T cells and elevated serum cytokines associated with impaired B-cell maturation. Differentiation of myeloid cells from patient-derived induced pluripotent stem cells demonstrated increased responsiveness to TLR8. Together, these findings demonstrate that gain-of-function variants in TLR8 lead to a novel childhood-onset IEI with lymphoproliferation, neutropenia, infectious susceptibility, B- and T-cell defects, and in some cases, bone marrow failure. Somatic mosaicism is a prominent molecular mechanism of this new disease.

Literature cited by the submitters: PubMed 33512449 (cited by 3 submitters).

NM_138636.5(TLR8):c.1295C>T (p.Pro432Leu)

Genes: TLR8 (toll like receptor 8; plus strand), TLR8-AS1 (TLR8 antisense RNA 1; minus strand). Cytogenetic location: Xp22.2.
Variant type: single nucleotide variant.
Coding change: c.1295C>T on transcript NM_138636.5 (MANE Select); coding-DNA position 1295, C replaced by T.
Protein change: p.Pro432Leu; replaces proline 432 with leucine.
Molecular consequence: missense variant.
Genome position (GRCh38, 1-based): chrX:12,920,335, C>T. VCF-style: chrX-12920335-C-T. GRCh37 (hg19) VCF-style: chrX-12938454-C-T.
Other names: c.1349C>T, p.Pro450Leu (NM_016610.4); c.1349C>T (NM_016610.3); short protein forms P432L, P450L.
Identifiers: ClinVar variation 1172677 (VCV001172677.13), dbSNP rs2147258995, ClinGen allele CA412415511.